The following is an entry in ClinVar:

NM_000038.6(APC):c.383G>C (p.Arg128Thr)

Gene: APC (APC regulator of Wnt signaling pathway; plus strand). Cytogenetic location: 5q22.2.
Variant type: single nucleotide variant.
Coding change: c.383G>C on transcript NM_000038.6 (MANE Select); coding-DNA position 383, G replaced by C.
Protein change: p.Arg128Thr; replaces arginine 128 with threonine.
Molecular consequence: missense variant. On other transcripts: 5 prime UTR variant (1).
Genome position (GRCh38, 1-based): chr5:112,767,351, G>C. VCF-style: chr5-112767351-G-C. GRCh37 (hg19) VCF-style: chr5-112103048-G-C.
Other names: c.383G>C, p.Arg128Thr (NM_001127510.3, NM_001354895.2, NM_001354896.2 and 2 more transcripts); c.413G>C, p.Arg138Thr (NM_001127511.3, NM_001354897.2, NM_001354902.2); c.308G>C, p.Arg103Thr (NM_001354898.2, NM_001354904.2); c.206G>C, p.Arg69Thr (NM_001354900.2, NM_001354901.2, NM_001354905.2); c.-653G>C (NM_001354906.2); c.383G>C (NM_000038.5); short protein forms R103T, R128T, R138T, R69T.
Identifiers: ClinVar variation 1014838 (VCV001014838.13), dbSNP rs1756470431, ClinGen allele CA16022155.
Genomic context (GRCh38, chr5:112,767,351, plus strand): 5'-GAGAGTGCAGTCCTGTTCCTATGGGTTCATTTCCAAGAAGAGGGTTTGTAAATGGAAGCA[G>C]AGAAAGTACTGGATATTTAGAAGAACTTGAGAAAGAGAGGTAACTTTTCTTCATATAGTA-3'
Protein context (NP_000029.2, residues 118-138): FPRRGFVNGS[Arg128Thr]ESTGYLEELE

ClinVar aggregate classification (germline): Uncertain significance. Review status: criteria provided, multiple submitters, no conflicts (2 of 4 stars). 3 submissions from 3 submitters: Uncertain significance (3). Last evaluated 2025-10-29.

Conditions:
Hereditary cancer-predisposing syndrome. Also called: Hereditary Cancer Syndrome; Tumor predisposition; Neoplastic Syndromes, Hereditary; Hereditary neoplastic syndrome. Identifiers: Orphanet 140162, MedGen C0027672, MeSH D009386, MONDO:0015356.
Familial adenomatous polyposis 1 (FAP1). Also called: FAMILIAL ADENOMATOUS POLYPOSIS 1, ATTENUATED; POLYPOSIS, ADENOMATOUS INTESTINAL. Identifiers: MedGen C2713442, MONDO:0021056, OMIM 175100. Disease mechanism: loss of function.

Allele frequency attached by ClinVar (database versions not stated): TOPMed below 0.00001.

Submissions (3):

Ambry Genetics
Classification: Uncertain significance for Hereditary cancer-predisposing syndrome. Last evaluated: 2025-10-29. Review status: criteria provided, single submitter. Criteria: Ambry Variant Classification Scheme 2023. Collection method: clinical testing. Allele origin: germline.
Comment: The p.R128T variant (also known as c.383G>C), located in coding exon 3 of the APC gene, results from a G to C substitution at nucleotide position 383. The arginine at codon 128 is replaced by threonine, an amino acid with similar properties. This amino acid position is conserved. In addition, in silico predictors for this gene do not accurately predict pathogenicity. Missense variants in APC are not a common cause of disease (Spier I et al. Genet Med. 2024 Feb;26(2):100992). Based on the available evidence, the clinical significance of this variant remains unclear.

GeneDx
Classification: Uncertain significance. Last evaluated: 2025-01-23. Review status: criteria provided, single submitter. Criteria: GeneDx Variant Classification Process June 2021. Collection method: clinical testing. Allele origin: germline. Affected: yes.
Comment: Has not been previously published as pathogenic or benign to our knowledge

Labcorp Genetics (formerly Invitae), Labcorp
Classification: Uncertain significance for Familial adenomatous polyposis 1. Last evaluated: 2022-08-07. Review status: criteria provided, single submitter. Criteria: Invitae Variant Classification Sherloc (09022015). Collection method: clinical testing. Allele origin: germline.
Comment: In summary, the available evidence is currently insufficient to determine the role of this variant in disease. Therefore, it has been classified as a Variant of Uncertain Significance. Algorithms developed to predict the effect of missense changes on protein structure and function (SIFT, PolyPhen-2, Align-GVGD) all suggest that this variant is likely to be disruptive. ClinVar contains an entry for this variant (Variation ID: 1014838). This variant has not been reported in the literature in individuals affected with APC-related conditions. This variant is not present in population databases (gnomAD no frequency). This sequence change replaces arginine, which is basic and polar, with threonine, which is neutral and polar, at codon 128 of the APC protein (p.Arg128Thr).